The following is an entry in ClinVar:

ClinVar aggregate classification (germline): Uncertain significance (1 of 4 stars; one submission).

Conditions:
Inborn genetic diseases. Identifiers: MedGen C0950123, MeSH D030342.

Allele frequency attached by ClinVar (database versions not stated): gnomAD exomes 0.00003; TOPMed 0.00004; ExAC 0.00005; gnomAD 0.00005; ESP Exome Variant Server 0.00008.

Submission:

Ambry Genetics
Classification: Uncertain significance for Inborn genetic diseases. Last evaluated: 2019-03-02. Review status: criteria provided, single submitter. Criteria: Ambry Variant Classification Scheme 2023. Collection method: clinical testing. Allele origin: germline.
Comment: The p.G21R variant (also known as c.61G>A), located in coding exon 1 of the HOXA1 gene, results from a G to A substitution at nucleotide position 61. The glycine at codon 21 is replaced by arginine, an amino acid with dissimilar properties. This amino acid position is well conserved in available vertebrate species. In addition, the in silico prediction for this alteration is inconclusive. Since supporting evidence is limited at this time, the clinical significance of this alteration remains unclear.

NM_005522.5(HOXA1):c.61G>A (p.Gly21Arg)

Gene: HOXA1 (homeobox A1; minus strand). Cytogenetic location: 7p15.2.
Variant type: single nucleotide variant.
Coding change: c.61G>A on transcript NM_005522.5 (MANE Select); coding-DNA position 61, G replaced by A.
Protein change: p.Gly21Arg; replaces glycine 21 with arginine.
Molecular consequence: missense variant.
Genome position (GRCh38, 1-based): chr7:27,095,852, C>T on the plus strand (G>A on the coding strand, the complement: HOXA1 is on the minus strand). VCF-style: chr7-27095852-C-T. GRCh37 (hg19) VCF-style: chr7-27135471-C-T.
Other names: c.61G>A, p.Gly21Arg (NM_153620.3); short protein forms G21R.
Identifiers: ClinVar variation 1752171 (VCV001752171.2), dbSNP rs374581356, ClinGen allele CA4196044.